The following is an entry in ClinVar:

NM_005902.4(SMAD3):c.927T>C (p.Ser309=)

Gene: SMAD3 (SMAD family member 3; plus strand). Cytogenetic location: 15q22.33.
Variant type: single nucleotide variant.
Coding change: c.927T>C on transcript NM_005902.4 (MANE Select); coding-DNA position 927, T replaced by C.
Protein change: p.Ser309=; no amino-acid change (serine 309 retained).
Molecular consequence: synonymous variant. On other transcripts: intron variant (1).
Genome position (GRCh38, 1-based): chr15:67,184,782, T>C. VCF-style: chr15-67184782-T-C. GRCh37 (hg19) VCF-style: chr15-67477120-T-C.
Other names: c.612T>C, p.Ser204= (NM_001145102.2, NM_001407016.1); c.795T>C, p.Ser265= (NM_001145103.2, NM_001407012.1); c.342T>C, p.Ser114= (NM_001145104.2, NM_001407017.1); c.927T>C, p.Ser309= (NM_001407011.1); c.780T>C, p.Ser260= (NM_001407014.1); c.480T>C, p.Ser160= (NM_001407015.1); c.872-2583T>C (NM_001407013.1).
Identifiers: ClinVar variation 3070383 (VCV003070383.1), dbSNP rs2505300326, ClinGen allele CA490916511.

ClinVar aggregate classification (germline): Likely benign (1 of 4 stars; one submission).

Conditions:
Aneurysm-osteoarthritis syndrome. Also called: ANEURYSMS-OSTEOARTHRITIS SYNDROME; LOEYS-DIETZ SYNDROME WITH OSTEOARTHRITIS; Loeys-Dietz syndrome, type 1C; SMAD3-Related Loeys-Dietz Syndrome. Identifiers: Orphanet 284984, MedGen C3151087, MONDO:0013426, OMIM 613795.

Allele frequency attached by ClinVar (database versions not stated): gnomAD exomes below 0.00001.
gnomAD v4.1: 1 of 1,614,000 alleles (0.000062%); highest among the groups gnomAD compares: South Asian, 0.0011%; no homozygotes.

Submission:

All of Us Research Program, National Institutes of Health
Classification: Likely benign for Aneurysm-osteoarthritis syndrome. Last evaluated: 2023-06-26. Review status: criteria provided, single submitter. Criteria: ACMG Guidelines, 2015. Collection method: clinical testing. Allele origin: germline. Inheritance: Autosomal dominant inheritance. Observed: 2 variant alleles, 2 heterozygotes.
Comment: This study involves interpretation of variants in research participants for the purpose of population health screening. Participant phenotype was not available at the time of variant classification. Additional details can be found in publication PMID: 35346344, PMCID: PMC8962531